The following is an entry in ClinVar:

NM_001374675.1(HSF4):c.40C>A (p.Pro14Thr)

Genes: HSF4 (heat shock transcription factor 4; plus strand), LOC125177334 (Sharpr-MPRA regulatory region 11796; plus strand). Cytogenetic location: 16q22.1.
Variant type: single nucleotide variant.
Coding change: c.40C>A on transcript NM_001374675.1 (MANE Select); coding-DNA position 40, C replaced by A.
Protein change: p.Pro14Thr; replaces proline 14 with threonine.
Molecular consequence: missense variant.
Genome position (GRCh38, 1-based): chr16:67,164,851, C>A. VCF-style: chr16-67164851-C-A. GRCh37 (hg19) VCF-style: chr16-67198754-C-A.
Other names: c.40C>A, p.Pro14Thr (NM_001040667.3, NM_001374674.1, NM_001538.4); short protein forms P14T.
Identifiers: ClinVar variation 2881886 (VCV002881886.3), dbSNP rs2507002112, ClinGen allele CA396261480.

ClinVar aggregate classification (germline): Uncertain significance (1 of 4 stars; one submission).

Conditions:
Cataract 5 multiple types (CTRCT5). Also called: CATARACT 5, LAMELLAR; Lamellar cataract; CATARACT, MARNER TYPE. Identifiers: Orphanet 91492, MedGen C0266537, MONDO:0007290, OMIM 116800, HP:0007971.

Submission:

Labcorp Genetics (formerly Invitae), Labcorp
Classification: Uncertain significance for Cataract 5 multiple types. Last evaluated: 2024-02-23. Review status: criteria provided, single submitter. Criteria: Invitae Variant Classification Sherloc (09022015). Collection method: clinical testing. Allele origin: germline.
Comment: This sequence change replaces proline, which is neutral and non-polar, with threonine, which is neutral and polar, at codon 14 of the HSF4 protein (p.Pro14Thr). This variant is not present in population databases (gnomAD no frequency). This variant has not been reported in the literature in individuals affected with HSF4-related conditions. Advanced modeling of protein sequence and biophysical properties (such as structural, functional, and spatial information, amino acid conservation, physicochemical variation, residue mobility, and thermodynamic stability) performed at Invitae indicates that this missense variant is not expected to disrupt HSF4 protein function with a negative predictive value of 80%. In summary, the available evidence is currently insufficient to determine the role of this variant in disease. Therefore, it has been classified as a Variant of Uncertain Significance.